The following is an entry in ClinVar:

ClinVar aggregate classification (germline): Uncertain significance (1 of 4 stars; one submission).

Conditions:
Multiple endocrine neoplasia, type 2 (MEN2). Identifiers: Orphanet 653, MedGen C4048306, MONDO:0019003. Disease mechanism: gain of function.

Allele frequency attached by ClinVar (database versions not stated): gnomAD 0.00001.
gnomAD v4.1: 1 of 1,614,004 alleles (0.000062%); highest among the groups gnomAD compares: South Asian, 0.0011%; no homozygotes.

Submission:

Labcorp Genetics (formerly Invitae), Labcorp
Classification: Uncertain significance for Multiple endocrine neoplasia, type 2. Last evaluated: 2023-09-01. Review status: criteria provided, single submitter. Criteria: Invitae Variant Classification Sherloc (09022015). Collection method: clinical testing. Allele origin: germline.
Comment: In summary, the available evidence is currently insufficient to determine the role of this variant in disease. Therefore, it has been classified as a Variant of Uncertain Significance. An algorithm developed to predict the effect of missense changes on protein structure and function (PolyPhen-2) suggests that this variant is likely to be disruptive. This variant has not been reported in the literature in individuals affected with RET-related conditions. This variant is not present in population databases (gnomAD no frequency). This sequence change replaces leucine, which is neutral and non-polar, with valine, which is neutral and non-polar, at codon 1040 of the RET protein (p.Leu1040Val).

NM_020975.6(RET):c.3118C>G (p.Leu1040Val)

Gene: RET (ret proto-oncogene; plus strand). Cytogenetic location: 10q11.21.
Variant type: single nucleotide variant.
Coding change: c.3118C>G on transcript NM_020975.6 (MANE Select); coding-DNA position 3118, C replaced by G.
Protein change: p.Leu1040Val; replaces leucine 1040 with valine.
Molecular consequence: missense variant.
Genome position (GRCh38, 1-based): chr10:43,126,653, C>G. VCF-style: chr10-43126653-C-G. GRCh37 (hg19) VCF-style: chr10-43622101-C-G.
Other names: c.2356C>G, p.Leu786Val (NM_001355216.2); c.3118C>G, p.Leu1040Val (NM_001406743.1, NM_001406744.1, NM_001406759.1 and 4 more transcripts); c.2989C>G, p.Leu997Val (NM_001406761.1, NM_001406762.1, NM_001406764.1); c.2983C>G, p.Leu995Val (NM_001406763.1, NM_001406765.1); c.2392C>G, p.Leu798Val (NM_001406775.1, NM_001406776.1, NM_001406777.1 and 1 more transcripts); c.2221C>G, p.Leu741Val (NM_001406779.1, NM_001406780.1, NM_001406781.1 and 1 more transcripts); c.2092C>G, p.Leu698Val (NM_001406783.1, NM_001406786.1); c.1669C>G, p.Leu557Val (NM_001406794.1, NM_001406792.1, NM_001406793.1); and 10 more; short protein forms L605V, L645V, L698V, L865V, L894V, L952V, L997V, L701V.
Identifiers: ClinVar variation 2757143 (VCV002757143.3), dbSNP rs1838337065, ClinGen allele CA376558429.